The following is an entry in ClinVar:

ClinVar aggregate classification (germline): Uncertain significance (1 of 4 stars; one submission).

Conditions:
RASopathy. Also called: Noonan spectrum disorder; rasopathies. Identifiers: Orphanet 536391, MedGen C5555857, MONDO:0021060.

Submission:

Labcorp Genetics (formerly Invitae), Labcorp
Classification: Uncertain significance for RASopathy. Last evaluated: 2025-09-27. Review status: criteria provided, single submitter. Criteria: Invitae Variant Classification Sherloc (09022015). Collection method: clinical testing. Allele origin: germline.
Comment: This sequence change replaces threonine, which is neutral and polar, with arginine, which is basic and polar, at codon 1076 of the SOS1 protein (p.Thr1076Arg). This variant is not present in population databases (gnomAD no frequency). This variant has not been reported in the literature in individuals affected with SOS1-related conditions. Invitae Evidence Modeling of protein sequence and biophysical properties (such as structural, functional, and spatial information, amino acid conservation, physicochemical variation, residue mobility, and thermodynamic stability) indicates that this missense variant is not expected to disrupt SOS1 protein function with a negative predictive value of 95%. In summary, the available evidence is currently insufficient to determine the role of this variant in disease. Therefore, it has been classified as a Variant of Uncertain Significance.

NM_005633.4(SOS1):c.3227C>G (p.Thr1076Arg)

Gene: SOS1 (SOS Ras/Rac guanine nucleotide exchange factor 1; minus strand). Cytogenetic location: 2p22.1.
Variant type: single nucleotide variant.
Coding change: c.3227C>G on transcript NM_005633.4 (MANE Select); coding-DNA position 3227, C replaced by G.
Protein change: p.Thr1076Arg; replaces threonine 1076 with arginine.
Molecular consequence: missense variant.
Genome position (GRCh38, 1-based): chr2:38,995,242, G>C on the plus strand (C>G on the coding strand, the complement: SOS1 is on the minus strand). VCF-style: chr2-38995242-G-C. GRCh37 (hg19) VCF-style: chr2-39222383-G-C.
Other names: c.3206C>G, p.Thr1069Arg (NM_001382394.1); c.3227C>G, p.Thr1076Arg (NM_001382395.1); short protein forms T1076R, T1069R.
Identifiers: ClinVar variation 4747094 (VCV004747094.1).